The following is an entry in ClinVar:

NM_003331.5(TYK2):c.3011C>G (p.Ala1004Gly)

Gene: TYK2 (tyrosine kinase 2; minus strand). Cytogenetic location: 19p13.2.
Variant type: single nucleotide variant.
Coding change: c.3011C>G on transcript NM_003331.5 (MANE Select); coding-DNA position 3011, C replaced by G.
Protein change: p.Ala1004Gly; replaces alanine 1004 with glycine.
Molecular consequence: missense variant.
Genome position (GRCh38, 1-based): chr19:10,353,544, G>C on the plus strand (C>G on the coding strand, the complement: TYK2 is on the minus strand). VCF-style: chr19-10353544-G-C. GRCh37 (hg19) VCF-style: chr19-10464220-G-C.
Other names: short protein forms A1004G.
Identifiers: ClinVar variation 858763 (VCV000858763.10), dbSNP rs202110875, ClinGen allele CA9192847.

ClinVar aggregate classification (germline): Uncertain significance. Review status: criteria provided, multiple submitters, no conflicts (2 of 4 stars). 2 submissions from 2 submitters: Uncertain significance (2). Last evaluated 2024-11-18.

Conditions:
Immunodeficiency 35 (IMD35). Also called: HIES WITH ATYPICAL MYCOBACTERIOSIS, AUTOSOMAL RECESSIVE; HYPER-IgE SYNDROME WITH ATYPICAL MYCOBACTERIOSIS, AUTOSOMAL RECESSIVE; TYK2 DEFICIENCY; Susceptibility to infection due to TYK2 deficiency. Identifiers: Orphanet 331226, MedGen C1969086, MONDO:0012682, OMIM 611521.

Allele frequency attached by ClinVar (database versions not stated): ExAC below 0.00001; gnomAD exomes 0.00002; gnomAD 0.00018 and 0.00019; 1000 Genomes Project 0.00020; TOPMed 0.00025; 1000 Genomes Project 30x 0.00031.
gnomAD v4.1: 57 of 1,498,664 alleles (0.0038%); highest among the groups gnomAD compares: African/African-American, 0.075%; 1 homozygote.

Submissions (2):

Labcorp Genetics (formerly Invitae), Labcorp
Classification: Uncertain significance for Immunodeficiency 35. Last evaluated: 2024-11-18. Review status: criteria provided, single submitter. Criteria: Invitae Variant Classification Sherloc (09022015). Collection method: clinical testing. Allele origin: germline.
Comment: This sequence change replaces alanine, which is neutral and non-polar, with glycine, which is neutral and non-polar, at codon 1004 of the TYK2 protein (p.Ala1004Gly). This variant is present in population databases (rs202110875, gnomAD 0.05%). This variant has not been reported in the literature in individuals affected with TYK2-related conditions. ClinVar contains an entry for this variant (Variation ID: 858763). Invitae Evidence Modeling of protein sequence and biophysical properties (such as structural, functional, and spatial information, amino acid conservation, physicochemical variation, residue mobility, and thermodynamic stability) indicates that this missense variant is not expected to disrupt TYK2 protein function with a negative predictive value of 80%. In summary, the available evidence is currently insufficient to determine the role of this variant in disease. Therefore, it has been classified as a Variant of Uncertain Significance.

Blueprint Genetics
Classification: Uncertain significance. Last evaluated: 2024-03-08. Review status: criteria provided, single submitter. Criteria: ACMG Guidelines, 2015. Collection method: clinical testing. Allele origin: germline.